The following is an entry in ClinVar:

NM_001846.4(COL4A2):c.1201G>A (p.Gly401Ser)

Gene: COL4A2 (collagen type IV alpha 2 chain; plus strand). Cytogenetic location: 13q34.
Variant type: single nucleotide variant.
Coding change: c.1201G>A on transcript NM_001846.4 (MANE Select); coding-DNA position 1201, G replaced by A.
Protein change: p.Gly401Ser; replaces glycine 401 with serine.
Molecular consequence: missense variant.
Genome position (GRCh38, 1-based): chr13:110,450,316, G>A. VCF-style: chr13-110450316-G-A. GRCh37 (hg19) VCF-style: chr13-111102663-G-A.
Other names: short protein forms G401S.
Identifiers: ClinVar variation 4848524 (VCV004848524.1).

ClinVar aggregate classification (germline): Uncertain significance (1 of 4 stars; one submission).

gnomAD v4.1: 1 of 1,613,842 alleles (0.000062%); no homozygotes.

Submission:

Women's Health and Genetics/Laboratory Corporation of America, LabCorp
Classification: Uncertain significance. Last evaluated: 2026-04-15. Review status: criteria provided, single submitter. Criteria: LabCorp Variant Classification Summary - May 2015. Collection method: clinical testing. Allele origin: germline.
Comment: Variant summary: COL4A2 c.1201G>A (p.Gly401Ser) results in a non-conservative amino acid change in the encoded protein sequence. Algorithms developed to predict the effect of missense changes on protein structure and function all suggest that this variant is likely to be disruptive. The variant allele was found at a frequency of 4e-06 in 249136 control chromosomes. The available data on variant occurrences in the general population are insufficient to allow any conclusion about variant significance. To our knowledge, no occurrence of c.1201G>A in individuals affected with COL4A2-related conditions and no experimental evidence demonstrating its impact on protein function have been reported. No submitters have cited clinical-significance assessments for this variant to ClinVar. Based on the evidence outlined above, the variant was classified as uncertain significance.